The following is an entry in ClinVar:

ClinVar aggregate classification (germline): Benign (1 of 4 stars; one submission).

Submission:

CeGaT Center for Human Genetics Tuebingen
Classification: Benign. Last evaluated: 2022-07-01. Review status: criteria provided, single submitter. Criteria: CeGaT Center For Human Genetics Tuebingen Variant Classification Criteria Version 2. Collection method: clinical testing. Allele origin: germline. Affected: yes. Observed: 1 variant allele.
Comment: KANSL1: BS1, BS2

NM_015443.4(KANSL1):c.*1519AAG[1]

Gene: KANSL1 (KAT8 regulatory NSL complex subunit 1). Cytogenetic location: 17q21.31.
Variant type: Microsatellite.
Coding change: c.*1519AAG[1] on transcript NM_015443.4 (MANE Select); one copy of the 3-base unit AAG starting at c.*1519.
Molecular consequence: 3 prime UTR variant.
Genome position: GRCh38 VCF-style: chr17-46029951-CCTT-C. GRCh37 (hg19) VCF-style: chr17-44107317-CCTT-C.
Other names: c.*1519AAG[1] (NM_001193465.2, NM_001193466.2, NM_001379198.1 and 22 more transcripts).
Identifiers: ClinVar variation 2647854 (VCV002647854.24), dbSNP rs769319125, ClinGen allele CA291123092.